The following is an entry in ClinVar:

ClinVar aggregate classification (germline): Uncertain significance. Review status: criteria provided, multiple submitters, no conflicts (2 of 4 stars). 2 submissions from 2 submitters: Uncertain significance (2). Last evaluated 2025-01-27.

Conditions:
Neurodegeneration with brain iron accumulation 8. Identifiers: MedGen C4693587, MONDO:0054764, OMIM 617917.

Submissions (2):

Ambry Genetics
Classification: Uncertain significance. Last evaluated: 2025-01-27. Review status: criteria provided, single submitter. Criteria: Ambry Variant Classification Scheme 2023. Collection method: clinical testing. Allele origin: germline.

3billion
Classification: Uncertain significance for Neurodegeneration with brain iron accumulation 8. Last evaluated: 2023-08-22. Review status: criteria provided, single submitter. Criteria: ACMG Guidelines, 2015. Collection method: clinical testing. Allele origin: germline. Affected: yes.
Comment: The variant is observed at an extremely low frequency in the gnomAD v2.1.1 dataset (total allele frequency: 0.001%). Predicted Consequence/Location: Missense variant Therefore, this variant is classified as VUS according to the recommendation of ACMG/AMP guideline.

NM_000755.5(CRAT):c.245G>A (p.Arg82His)

Gene: CRAT (carnitine O-acetyltransferase; minus strand). Cytogenetic location: 9q34.11.
Variant type: single nucleotide variant.
Coding change: c.245G>A on transcript NM_000755.5 (MANE Select); coding-DNA position 245, G replaced by A.
Protein change: p.Arg82His; replaces arginine 82 with histidine.
Molecular consequence: missense variant. On other transcripts: intron variant (1).
Genome position (GRCh38, 1-based): chr9:129,107,860, C>T on the plus strand (G>A on the coding strand, the complement: CRAT is on the minus strand). VCF-style: chr9-129107860-C-T. GRCh37 (hg19) VCF-style: chr9-131870139-C-T.
Other names: c.182G>A, p.Arg61His (NM_001257363.3, NM_001346548.2, NM_004003.4); c.248G>A, p.Arg83His (NM_001346546.2); c.245G>A, p.Arg82His (NM_001346547.2); c.171+74G>A (NM_001346549.2); c.245G>A (NM_000755.3); short protein forms R61H, R82H, R83H.
Identifiers: ClinVar variation 3775922 (VCV003775922.2).
Genomic context (GRCh38, chr9:129,107,860, plus strand): 5'-ATGCCCTCACTCACCCAGTTCTCCGTCTTCCTGGCCCGACGCTCCAGCCCCTTCTGCAGG[C>T]GCTCCCCTACACCTCCTGAGGCCTGAAACTCATCCACCAGCTGCTTGGTGTGGGCCCACT-3'
Protein context (NP_000746.3, residues 72-92): EFQASGGVGE[Arg82His]LQKGLERRAR